The following is an entry in ClinVar:

ClinVar aggregate classification (germline): Pathogenic (1 of 4 stars; one submission).

Conditions:
Congenital lactic acidosis, Saguenay-Lac-Saint-Jean type (MC4DN5). Also called: CYTOCHROME c OXIDASE DEFICIENCY, FRENCH CANADIAN TYPE; COX DEFICIENCY, FRENCH CANADIAN TYPE; MITOCHONDRIAL COMPLEX IV DEFICIENCY, NUCLEAR TYPE 5. Identifiers: Orphanet 70472, MedGen C1857355, MONDO:0009069, OMIM 220111.

Submission:

Myriad Genetics, Inc.
Classification: Pathogenic for Congenital lactic acidosis, Saguenay-Lac-Saint-Jean type. Last evaluated: 2025-01-16. Review status: criteria provided, single submitter. Criteria: Myriad Autosomal Dominant, Autosomal Recessive and X-Linked Classification Criteria (2023). Collection method: clinical testing. Allele origin: unknown.
Comment: NM_133259.3(LRPPRC):c.1145del1ins6(T382Ifs*4) is expected to be pathogenic in the context of Leigh syndrome, French-Canadian type. This variant is predicted to lead to an abnormal or absent protein product due to the creation of a premature termination codon in LRPPRC, a gene where loss-of-function variants are known to be pathogenic. Please note: this variant was assessed in the context of healthy population screening.

NM_133259.4(LRPPRC):c.1145delinsTAATCT (p.Thr382fs)

Gene: LRPPRC (leucine rich pentatricopeptide repeat containing; minus strand). Cytogenetic location: 2p21.
Variant type: Indel.
Coding change: c.1145delinsTAATCT on transcript NM_133259.4 (MANE Select); coding-DNA position 1145, C replaced by TAATCT.
Protein change: p.Thr382fs; shifts the reading frame from threonine 382.
Molecular consequence: frameshift variant.
Genome position (GRCh38, 1-based): chr2:43,974,160, G replaced by AGATTA on the plus strand (C replaced by TAATCT on the coding strand, the reverse complement: LRPPRC is on the minus strand). VCF-style: chr2-43974160-G-AGATTA. GRCh37 (hg19) VCF-style: chr2-44201299-G-AGATTA.
Other names: short protein forms T382fs.
Identifiers: ClinVar variation 5013971 (VCV005013971.1).